The following is an entry in ClinVar:

ClinVar aggregate classification (germline): Benign. Review status: criteria provided, multiple submitters, no conflicts (2 of 4 stars). 3 submissions from 3 submitters: Benign (2). 1 of the submissions does not count toward it. Last evaluated 2025-07-01.

Conditions:
FMN1-related disorder. Also called: FMN1-related condition.

Allele frequency attached by ClinVar (database versions not stated): gnomAD exomes 0.00019 and 0.00046; ExAC 0.00054; gnomAD 0.00229 and 0.00242; TOPMed 0.00253; 1000 Genomes Project 0.00300; 1000 Genomes Project 30x 0.00312.
gnomAD v4.1: 614 of 1,536,242 alleles (0.04%); highest among the groups gnomAD compares: African/African-American, 0.78%; 1 homozygote.

Submissions (3):

Labcorp Genetics (formerly Invitae), Labcorp
Classification: Benign. Last evaluated: 2025-07-01. Review status: criteria provided, single submitter. Criteria: Invitae Variant Classification Sherloc (09022015). Collection method: clinical testing. Allele origin: germline.

CeGaT Center for Human Genetics Tuebingen
Classification: Benign. Last evaluated: 2023-12-01. Review status: criteria provided, single submitter. Criteria: CeGaT Center For Human Genetics Tuebingen Variant Classification Criteria Version 2. Collection method: clinical testing. Allele origin: germline. Affected: yes. Observed: 1 variant allele.
Comment: FMN1: BP4, BS1, BS2

PreventionGenetics, part of Exact Sciences
Classification: Benign for FMN1-related condition. Last evaluated: 2019-07-23. Review status: no assertion criteria provided. Collection method: clinical testing. Allele origin: germline. Not counted in ClinVar's aggregate classification.
Comment: This variant is classified as benign based on ACMG/AMP sequence variant interpretation guidelines (Richards et al. 2015 PMID: 25741868, with internal and published modifications).

NM_001277313.2(FMN1):c.877A>T (p.Thr293Ser)

Gene: FMN1 (formin 1; minus strand). Cytogenetic location: 15q13.3.
Variant type: single nucleotide variant.
Coding change: c.877A>T on transcript NM_001277313.2 (MANE Select); coding-DNA position 877, A replaced by T.
Protein change: p.Thr293Ser; replaces threonine 293 with serine.
Molecular consequence: missense variant.
Genome position (GRCh38, 1-based): chr15:33,154,038, T>A on the plus strand (A>T on the coding strand, the complement: FMN1 is on the minus strand). VCF-style: chr15-33154038-T-A. GRCh37 (hg19) VCF-style: chr15-33446239-T-A.
Other names: c.877A>T (NM_001277313.1); c.877A>T, p.Thr293Ser (NM_001277314.2); short protein forms T293S.
Identifiers: ClinVar variation 1599782 (VCV001599782.31), dbSNP rs61744794, ClinGen allele CA7457561.